The following is an entry in ClinVar:

ClinVar aggregate classification (germline): Likely benign. Review status: reviewed by expert panel (3 of 4 stars). 3 submissions from 3 submitters: Likely benign (1). 2 of the submissions do not count toward it. Last evaluated 2024-11-04.

Conditions:
Hereditary thrombocytopenia and hematologic cancer predisposition syndrome. Identifiers: Orphanet 71290, MedGen CN281654, MONDO:0011071.
Hereditary thrombocytopenia and hematological cancer predisposition syndrome associated with RUNX1. Also called: Familial thrombocytopenia with propensity to acute myelogenous leukemia; PLATELET DISORDER, ASPIRIN-LIKE; RUNX1 Familial Platelet Disorder with Associated Myeloid Malignancies; Familial Platelet Disorder with Propensity to Acute Myelogenous Leukemia. Identifiers: Orphanet 71290, MedGen C1832388, MeSH C563324, MONDO:0100083, OMIM 601399.

Allele frequency attached by ClinVar (database versions not stated): gnomAD exomes 0.00001 and 0.00006; ExAC 0.00007; gnomAD 0.00014 and 0.00015; ESP Exome Variant Server 0.00024.

Submissions (3):

ClinGen Myeloid Malignancy Variant Curation Expert Panel
Classification: Likely benign for Hereditary thrombocytopenia and hematologic cancer predisposition syndrome. Last evaluated: 2024-11-04. Review status: reviewed by expert panel. Criteria: ClinGen MyeloMalig ACMG Specifications v2. Collection method: curation. Allele origin: germline. Inheritance: Autosomal dominant inheritance.
Comment: NM_001754.5(RUNX1):c.614-19_614-15del is an intronic variant with a MAF of 0.00049 (12/26,640 alleles) in the African subpopulation of the gnomAD 2.1 cohort is between 0.00015 (0.015%) and 0.0015 (0.15%) (BS1). Splice AI predicts no impact to splicing (score: 0.03). (BP4) This variant has a SpliceAI score ≤ 0.20 (0.03) and evolutionary conservation algorithms predict the site as not being conserved (PhyloP score ≤ 2.0 (1.921) (BP7). In summary, this variant meets criteria to be classified as likely benign. ACMG/AMP criteria applied, as specified by the Myeloid Malignancy Variant Curation Expert Panel for RUNX1: BS1, BP4, BP7.

Labcorp Genetics (formerly Invitae), Labcorp
Classification: Likely benign for Hereditary thrombocytopenia and hematological cancer predisposition syndrome associated with RUNX1. Last evaluated: 2025-08-18. Review status: criteria provided, single submitter. Criteria: Invitae Variant Classification Sherloc (09022015). Collection method: clinical testing. Allele origin: germline. Not counted in ClinVar's aggregate classification.

Blueprint Genetics
Classification: Likely benign. Last evaluated: 2022-07-11. Review status: criteria provided, single submitter. Criteria: ACMG Guidelines, 2015. Collection method: clinical testing. Allele origin: germline. Not counted in ClinVar's aggregate classification.

NM_001754.5(RUNX1):c.614-19_614-15del

Gene: RUNX1 (RUNX family transcription factor 1; minus strand). Cytogenetic location: 21q22.12.
Variant type: Deletion.
Coding change: c.614-19_614-15del on transcript NM_001754.5 (MANE Select); 19 bases into the intron before coding-DNA position 614 through 15 bases into the intron before coding-DNA position 614, 5 bases deleted (TCCCT; older notation c.614-19_614-15delTCCCT).
Molecular consequence: intron variant.
Genome position (GRCh38, 1-based): chr21:34,834,616-34,834,620, AGGGA deleted on the plus strand (TCCCT on the coding strand, the reverse complement: RUNX1 is on the minus strand). VCF-style (leftmost placement, unchanged base first): chr21-34834615-CAGGGA-C. GRCh37 (hg19) VCF-style: chr21-36206912-CAGGGA-C.
Other names: c.533-19_533-15del (NM_001001890.3, NM_001122607.2).
Identifiers: ClinVar variation 1643250 (VCV001643250.9), dbSNP rs763510468, ClinGen allele CA10014398.